The following is an entry in ClinVar:

NM_000170.3(GLDC):c.714-15_714-13del

Gene: GLDC (glycine decarboxylase; minus strand). Cytogenetic location: 9p24.1.
Variant type: Microsatellite.
Coding change: c.714-15_714-13del on transcript NM_000170.3 (MANE Select); 15 bases into the intron before coding-DNA position 714 through 13 bases into the intron before coding-DNA position 714, 3 bases deleted (TGT; older notation c.714-15_714-13delTGT).
Molecular consequence: intron variant.
Genome position (GRCh38, 1-based): chr9:6,605,291-6,605,293, ACA deleted on the plus strand (TGT on the coding strand, the reverse complement: GLDC is on the minus strand); deleting any 3 consecutive bases within chr9:6,605,291-6,605,297 gives the same sequence; the c. name uses the placement nearest the transcript's 3' end. VCF-style (leftmost placement, unchanged base first): chr9-6605290-GACA-G. GRCh37 (hg19) VCF-style: chr9-6605290-GACA-G.
Identifiers: ClinVar variation 1207051 (VCV001207051.15), dbSNP rs780790361, ClinGen allele CA4981002.

ClinVar aggregate classification (germline): Likely benign. Review status: criteria provided, multiple submitters, no conflicts (2 of 4 stars). 2 submissions from 2 submitters: Likely benign (2). Last evaluated 2026-02-02.

Conditions:
Glycine encephalopathy. Also called: Nonketotic hyperglycinemia; Non-ketotic hyperglycinemia. Identifiers: Orphanet 407, MedGen C0751748, MONDO:0011612, HP:0008288.

Submissions (2):

Labcorp Genetics (formerly Invitae), Labcorp
Classification: Likely benign for Glycine encephalopathy. Last evaluated: 2026-02-02. Review status: criteria provided, single submitter. Criteria: Invitae Variant Classification Sherloc (09022015). Collection method: clinical testing. Allele origin: germline.

GeneDx
Classification: Likely benign. Last evaluated: 2023-08-30. Review status: criteria provided, single submitter. Criteria: GeneDx Variant Classification Process June 2021. Collection method: clinical testing. Allele origin: germline. Affected: yes.
Comment: See Variant Classification Assertion Criteria.